The following is an entry in ClinVar:

NM_006831.3(CLP1):c.863G>A (p.Arg288His)

Gene: CLP1 (cleavage factor polyribonucleotide kinase subunit 1; plus strand). Cytogenetic location: 11q12.1.
Variant type: single nucleotide variant.
Coding change: c.863G>A on transcript NM_006831.3 (MANE Select); coding-DNA position 863, G replaced by A.
Protein change: p.Arg288His; replaces arginine 288 with histidine.
Molecular consequence: missense variant.
Genome position (GRCh38, 1-based): chr11:57,661,021, G>A. VCF-style: chr11-57661021-G-A. GRCh37 (hg19) VCF-style: chr11-57428493-G-A.
Other names: c.671G>A, p.Arg224His (NM_001142597.2); c.863G>A (NM_006831.2); short protein forms R224H, R288H.
Identifiers: ClinVar variation 1925771 (VCV001925771.6), dbSNP rs771813411, ClinGen allele CA6008595.

ClinVar aggregate classification (germline): Uncertain significance. Review status: criteria provided, multiple submitters, no conflicts (2 of 4 stars). 2 submissions from 2 submitters: Uncertain significance (2). Last evaluated 2025-01-20.

Conditions:
Inborn genetic diseases. Identifiers: MedGen C0950123, MeSH D030342.

Allele frequency attached by ClinVar (database versions not stated): gnomAD exomes below 0.00001; ExAC 0.00001; gnomAD 0.00001; TOPMed 0.00001.
gnomAD v4.1: 6 of 1,614,096 alleles (0.00037%); highest among the groups gnomAD compares: African/African-American, 0.0067%; no homozygotes.

Submissions (2):

Ambry Genetics
Classification: Uncertain significance for Inborn genetic diseases. Last evaluated: 2025-01-20. Review status: criteria provided, single submitter. Criteria: Ambry Variant Classification Scheme 2023. Collection method: clinical testing. Allele origin: germline.

Labcorp Genetics (formerly Invitae), Labcorp
Classification: Uncertain significance. Last evaluated: 2024-11-01. Review status: criteria provided, single submitter. Criteria: Invitae Variant Classification Sherloc (09022015). Collection method: clinical testing. Allele origin: germline.
Comment: This sequence change replaces arginine, which is basic and polar, with histidine, which is basic and polar, at codon 288 of the CLP1 protein (p.Arg288His). This variant is present in population databases (rs771813411, gnomAD 0.007%). This variant has not been reported in the literature in individuals affected with CLP1-related conditions. ClinVar contains an entry for this variant (Variation ID: 1925771). Invitae Evidence Modeling of protein sequence and biophysical properties (such as structural, functional, and spatial information, amino acid conservation, physicochemical variation, residue mobility, and thermodynamic stability) indicates that this missense variant is expected to disrupt CLP1 protein function with a positive predictive value of 80%. In summary, the available evidence is currently insufficient to determine the role of this variant in disease. Therefore, it has been classified as a Variant of Uncertain Significance.